The following is an entry in ClinVar:

NM_004614.5(TK2):c.1A>T (p.Met1Leu)

Gene: TK2 (thymidine kinase 2; minus strand). Cytogenetic location: 16q21.
Variant type: single nucleotide variant.
Coding change: c.1A>T on transcript NM_004614.5 (MANE Select); coding-DNA position 1, A replaced by T.
Protein change: p.Met1Leu; changes the start codon (methionine 1).
Molecular consequence: missense variant, initiator codon variant. On other transcripts: 5 prime UTR variant (2), non-coding transcript variant (1), intron variant (2).
Genome position (GRCh38, 1-based): chr16:66,550,061, T>A on the plus strand (A>T on the coding strand, the complement: TK2 is on the minus strand). VCF-style: chr16-66550061-T-A. GRCh37 (hg19) VCF-style: chr16-66583964-T-A.
Other names: c.1A>T, p.Met1Leu (NM_001172644.2, NM_001172645.2); c.-242A>T (NM_001271934.2); c.-652A>T (NM_001272050.2); c.31+192A>T (NM_001271935.1, NM_001172643.1); short protein forms M1L.
Identifiers: ClinVar variation 1496034 (VCV001496034.9), dbSNP rs973152588, ClinGen allele CA282199529.

ClinVar aggregate classification (germline): Pathogenic. Review status: criteria provided, multiple submitters, no conflicts (2 of 4 stars). 2 submissions from 2 submitters: Pathogenic (2). Last evaluated 2024-03-26.

Conditions:
Mitochondrial DNA depletion syndrome, myopathic form (MTDPS2). Also called: MITOCHONDRIAL DNA DEPLETION MYOPATHY, TK2-RELATED; TK2-Related Mitochondrial DNA Maintenance Defect, Myopathic Form; MITOCHONDRIAL DNA DEPLETION SYNDROME 2 (MYOPATHIC TYPE). Identifiers: Orphanet 254875, MedGen C3149750, MONDO:0012301, OMIM 609560.
Progressive external ophthalmoplegia with mitochondrial DNA deletions, autosomal recessive 3 (PEOB3). Also called: PROGRESSIVE EXTERNAL OPHTHALMOPLEGIA, AUTOSOMAL RECESSIVE 3. Identifiers: Orphanet 254886, MedGen C4310734, MONDO:0014898, OMIM 617069.

Allele frequency attached by ClinVar (database versions not stated): gnomAD exomes below 0.00001; TOPMed below 0.00001.

Submissions (2):

Fulgent Genetics
Classification: Pathogenic for Mitochondrial DNA depletion syndrome, myopathic form; Progressive external ophthalmoplegia with mitochondrial DNA deletions, autosomal recessive 3. Last evaluated: 2024-03-26. Review status: criteria provided, single submitter. Criteria: ACMG Guidelines, 2015. Collection method: clinical testing. Allele origin: germline.

Labcorp Genetics (formerly Invitae), Labcorp
Classification: Pathogenic. Last evaluated: 2023-07-17. Review status: criteria provided, single submitter. Criteria: Invitae Variant Classification Sherloc (09022015). Collection method: clinical testing. Allele origin: germline.
Comment: For these reasons, this variant has been classified as Pathogenic. This variant disrupts a region of the TK2 protein in which other variant(s) (p.Thr64Met) have been determined to be pathogenic (PMID: 15907288). This suggests that this is a clinically significant region of the protein, and that variants that disrupt it are likely to be disease-causing. Experimental studies and prediction algorithms are not available or were not evaluated, and the functional significance of this variant is currently unknown. ClinVar contains an entry for this variant (Variation ID: 1496034). Disruption of the initiator codon has been observed in individual(s) with TK2-related conditions (PMID: 25058219). This variant is not present in population databases (gnomAD no frequency). This sequence change affects the initiator methionine of the TK2 mRNA. The next in-frame methionine is located at codon 98.

Literature cited by the submitters: PubMed 15907288 (cited by Labcorp Genetics (formerly Invitae), Labcorp); PubMed 25058219 (cited by Labcorp Genetics (formerly Invitae), Labcorp).